The following is an entry in ClinVar:

ClinVar aggregate classification (germline): Uncertain significance. Review status: criteria provided, multiple submitters, no conflicts (2 of 4 stars). 3 submissions from 3 submitters: Uncertain significance (3). Last evaluated 2026-05-21.

Conditions:
MYO5B-related disorder. Also called: MYO5B-related condition.
Inborn genetic diseases. Identifiers: MedGen C0950123, MeSH D030342.

Allele frequency attached by ClinVar (database versions not stated): ExAC 0.00001; TOPMed 0.00002; gnomAD 0.00003.
gnomAD v4.1: 49 of 1,613,964 alleles (0.003%); highest among the groups gnomAD compares: Admixed American, 0.012%; no homozygotes.

Submissions (3):

PreventionGenetics, part of Exact Sciences
Classification: Uncertain significance for MYO5B-related condition. Last evaluated: 2026-05-21. Review status: criteria provided, single submitter. Criteria: ACMG Guidelines, 2015. Collection method: clinical testing. Allele origin: germline.
Comment: The MYO5B c.5171G>A variant is predicted to result in the amino acid substitution p.Arg1724Gln. To our knowledge, this variant has not been reported in the literature. This variant is reported in 0.0085% of alleles in individuals of Latino descent in gnomAD. At this time, the clinical significance of this variant is uncertain due to the absence of conclusive functional and genetic evidence.

Labcorp Genetics (formerly Invitae), Labcorp
Classification: Uncertain significance. Last evaluated: 2024-05-14. Review status: criteria provided, single submitter. Criteria: Invitae Variant Classification Sherloc (09022015). Collection method: clinical testing. Allele origin: germline.
Comment: This sequence change replaces arginine, which is basic and polar, with glutamine, which is neutral and polar, at codon 1724 of the MYO5B protein (p.Arg1724Gln). This variant is present in population databases (rs746376479, gnomAD 0.009%). This variant has not been reported in the literature in individuals affected with MYO5B-related conditions. ClinVar contains an entry for this variant (Variation ID: 2188870). Advanced modeling of protein sequence and biophysical properties (such as structural, functional, and spatial information, amino acid conservation, physicochemical variation, residue mobility, and thermodynamic stability) performed at Invitae indicates that this missense variant is not expected to disrupt MYO5B protein function with a negative predictive value of 80%. In summary, the available evidence is currently insufficient to determine the role of this variant in disease. Therefore, it has been classified as a Variant of Uncertain Significance.

Ambry Genetics
Classification: Uncertain significance for Inborn genetic diseases. Last evaluated: 2022-05-11. Review status: criteria provided, single submitter. Criteria: Ambry Variant Classification Scheme 2023. Collection method: clinical testing. Allele origin: germline.

NM_001080467.3(MYO5B):c.5171G>A (p.Arg1724Gln)

Genes: MYO5B (myosin VB; minus strand), SNHG22 (small nucleolar RNA host gene 22; plus strand). Cytogenetic location: 18q21.1.
Variant type: single nucleotide variant.
Coding change: c.5171G>A on transcript NM_001080467.3 (MANE Select); coding-DNA position 5171, G replaced by A.
Protein change: p.Arg1724Gln; replaces arginine 1724 with glutamine.
Molecular consequence: missense variant.
Genome position (GRCh38, 1-based): chr18:49,836,853, C>T on the plus strand (G>A on the coding strand, the complement: MYO5B is on the minus strand). VCF-style: chr18-49836853-C-T. GRCh37 (hg19) VCF-style: chr18-47363223-C-T.
Other names: c.5171G>A (NM_001080467.2); short protein forms R1724Q.
Identifiers: ClinVar variation 2188870 (VCV002188870.6), dbSNP rs746376479, ClinGen allele CA8960122.